The following is an entry in ClinVar:

ClinVar aggregate classification (germline): Uncertain significance. Review status: criteria provided, multiple submitters, no conflicts (2 of 4 stars). 3 submissions from 3 submitters: Uncertain significance (3). Last evaluated 2024-12-30.

Conditions:
Inborn genetic diseases. Identifiers: MedGen C0950123, MeSH D030342.
Neutral lipid storage myopathy (NLSDM). Also called: NEUTRAL LIPID STORAGE DISEASE WITHOUT ICHTHYOSIS. Identifiers: Orphanet 98908, MedGen C1853136, MONDO:0012545, OMIM 610717.

Allele frequency attached by ClinVar (database versions not stated): TOPMed 0.00002; gnomAD 0.00003; ExAC 0.00009.
gnomAD v4.1: 41 of 1,534,446 alleles (0.0027%); highest among the groups gnomAD compares: Non-Finnish European, 0.0033%; no homozygotes.

Submissions (3):

Ambry Genetics
Classification: Uncertain significance for Inborn genetic diseases. Last evaluated: 2024-12-30. Review status: criteria provided, single submitter. Criteria: Ambry Variant Classification Scheme 2023. Collection method: clinical testing. Allele origin: germline.

Labcorp Genetics (formerly Invitae), Labcorp
Classification: Uncertain significance for Neutral lipid storage myopathy. Last evaluated: 2022-10-08. Review status: criteria provided, single submitter. Criteria: Invitae Variant Classification Sherloc (09022015). Collection method: clinical testing. Allele origin: germline.
Comment: This sequence change replaces alanine, which is neutral and non-polar, with aspartic acid, which is acidic and polar, at codon 495 of the PNPLA2 protein (p.Ala495Asp). This variant is present in population databases (rs761924298, gnomAD 0.007%). This variant has not been reported in the literature in individuals affected with PNPLA2-related conditions. ClinVar contains an entry for this variant (Variation ID: 642678). Algorithms developed to predict the effect of missense changes on protein structure and function (SIFT, PolyPhen-2, Align-GVGD) all suggest that this variant is likely to be tolerated. In summary, the available evidence is currently insufficient to determine the role of this variant in disease. Therefore, it has been classified as a Variant of Uncertain Significance.

CeGaT Center for Human Genetics Tuebingen
Classification: Uncertain significance. Last evaluated: 2019-10-01. Review status: criteria provided, single submitter. Criteria: CeGaT Center For Human Genetics Tuebingen Variant Classification Criteria Version 2. Collection method: clinical testing. Allele origin: germline. Affected: yes. Observed: 1 variant allele.

NM_020376.4(PNPLA2):c.1484C>A (p.Ala495Asp)

Gene: PNPLA2 (patatin like domain 2, triacylglycerol lipase; plus strand). Cytogenetic location: 11p15.5.
Variant type: single nucleotide variant.
Coding change: c.1484C>A on transcript NM_020376.4 (MANE Select); coding-DNA position 1484, C replaced by A.
Protein change: p.Ala495Asp; replaces alanine 495 with aspartic acid.
Molecular consequence: missense variant.
Genome position (GRCh38, 1-based): chr11:824,831, C>A. VCF-style: chr11-824831-C-A. GRCh37 (hg19) VCF-style: chr11-824831-C-A.
Other names: short protein forms A495D.
Identifiers: ClinVar variation 642678 (VCV000642678.46), dbSNP rs761924298, ClinGen allele CA5791427.